The following is an entry in ClinVar:

ClinVar aggregate classification (germline): Pathogenic (1 of 4 stars; one submission).

Conditions:
Ehlers-Danlos syndrome due to tenascin-X deficiency (EDSCLL1). Also called: EDS DUE TO TNX DEFICIENCY; TNX DEFICIENCY; Ehlers-Danlos syndrome, classic-like, 1; EHLERS-DANLOS SYNDROME, CLASSIC-LIKE; TNXB-Related Classical-Like Ehlers-Danlos Syndrome. Identifiers: Orphanet 230839, MedGen C1848029, MONDO:0011670, OMIM 606408.

Submission:

Myriad Genetics, Inc.
Classification: Pathogenic for Ehlers-Danlos syndrome due to tenascin-X deficiency. Last evaluated: 2026-05-24. Review status: criteria provided, single submitter. Criteria: Myriad Autosomal Dominant, Autosomal Recessive and X-Linked Classification Criteria (2023). Collection method: clinical testing. Allele origin: unknown.
Comment: NM_019105.6(TNXB):c.1926C>A(Y642*) is expected to be pathogenic in the context of classical-like Ehlers-Danlos syndrome, TNXB-related. This variant is predicted to lead to an abnormal or absent protein product due to the creation of a premature termination codon in TNXB, a gene where loss-of-function variants are known to be pathogenic. Please note: this variant was assessed in the context of healthy population screening.

NM_001365276.2(TNXB):c.1926C>A (p.Tyr642Ter)

Gene: TNXB (tenascin XB; minus strand). Cytogenetic location: 6p21.33.
Variant type: single nucleotide variant.
Coding change: c.1926C>A on transcript NM_001365276.2 (MANE Select); coding-DNA position 1926, C replaced by A.
Protein change: p.Tyr642Ter; replaces tyrosine 642 with a stop codon.
Molecular consequence: nonsense.
Genome position (GRCh38, 1-based): chr6:32,095,927, G>T on the plus strand (C>A on the coding strand, the complement: TNXB is on the minus strand). VCF-style: chr6-32095927-G-T. GRCh37 (hg19) VCF-style: chr6-32063704-G-T.
Other names: c.1926C>A, p.Tyr642Ter (NM_001428335.1, NM_019105.8); short protein forms Y642*.
Identifiers: ClinVar variation 5015952 (VCV005015952.1).